The following is an entry in ClinVar:

ClinVar aggregate classification (germline): Benign. Review status: criteria provided, multiple submitters, no conflicts (2 of 4 stars). 2 submissions from 2 submitters: Benign (2). Last evaluated 2013-12-02.

Allele frequency attached by ClinVar (database versions not stated): gnomAD 0.00409 and 0.00415; gnomAD exomes 0.00440 and 0.00523; 1000 Genomes Project 0.00260; TOPMed 0.00449; 1000 Genomes Project 30x 0.00312; ExAC 0.00385; ESP Exome Variant Server 0.00515.
gnomAD v4.1: 8,341 of 1,613,300 alleles (0.52%); highest among the groups gnomAD compares: Middle Eastern, 0.91%; 31 homozygotes.

Submissions (2):

GeneDx
Classification: Benign. Last evaluated: 2013-12-02. Review status: criteria provided, single submitter. Criteria: GeneDx Variant Classification (06012015). Collection method: clinical testing. Allele origin: germline. Affected: yes.
Comment: This variant is considered likely benign or benign based on one or more of the following criteria: it is a conservative change, it occurs at a poorly conserved position in the protein, it is predicted to be benign by multiple in silico algorithms, and/or has population frequency not consistent with disease.

Breakthrough Genomics
Classification: Benign. Review status: criteria provided, single submitter. Criteria: ACMG Guidelines, 2015. Collection method: not provided. Allele origin: germline. Inheritance: Autosomal recessive inheritance. Affected: yes.

NM_005005.3(NDUFB9):c.-43A>G

Gene: NDUFB9 (NADH:ubiquinone oxidoreductase subunit B9; plus strand). Cytogenetic location: 8q24.13.
Variant type: single nucleotide variant.
Coding change: c.-43A>G on transcript NM_005005.3 (MANE Select); 43 bases upstream of the start codon, A replaced by G.
Molecular consequence: 5 prime UTR variant.
Genome position (GRCh38, 1-based): chr8:124,539,144, A>G. VCF-style: chr8-124539144-A-G. GRCh37 (hg19) VCF-style: chr8-125551385-A-G.
Other names: c.-176A>G (NM_001278645.2); c.-170A>G (NM_001278646.2); c.-43A>G (NM_001311168.2).
Identifiers: ClinVar variation 138470 (VCV000138470.2), dbSNP rs140365193, ClinGen allele CA292476.